The following is an entry in ClinVar:

NM_005751.5(AKAP9):c.9058T>C (p.Ser3020Pro)

Gene: AKAP9 (A-kinase anchoring protein 9; plus strand). Cytogenetic location: 7q21.2.
Variant type: single nucleotide variant.
Coding change: c.9058T>C on transcript NM_005751.5 (MANE Select); coding-DNA position 9058, T replaced by C.
Protein change: p.Ser3020Pro; replaces serine 3020 with proline.
Molecular consequence: missense variant.
Genome position (GRCh38, 1-based): chr7:92,086,261, T>C. VCF-style: chr7-92086261-T-C. GRCh37 (hg19) VCF-style: chr7-91715575-T-C.
Other names: c.3703T>C, p.Ser1235Pro (NM_001379277.1); c.9034T>C, p.Ser3012Pro (NM_147185.3); short protein forms S3012P, S1235P, S3020P.
Identifiers: ClinVar variation 2497358 (VCV002497358.2), dbSNP rs1814542252, ClinGen allele CA368143449.

ClinVar aggregate classification (germline): Uncertain significance (1 of 4 stars; one submission).

Conditions:
Cardiovascular phenotype. Identifiers: MedGen CN230736.

Allele frequency attached by ClinVar (database versions not stated): TOPMed below 0.00001; gnomAD exomes 0.00001.
gnomAD v4.1: 11 of 1,614,134 alleles (0.00068%); highest among the groups gnomAD compares: Non-Finnish European, 0.00093%; no homozygotes.

Submission:

Ambry Genetics
Classification: Uncertain significance for Cardiovascular phenotype. Last evaluated: 2022-12-25. Review status: criteria provided, single submitter. Criteria: Ambry Variant Classification Scheme 2023. Collection method: clinical testing. Allele origin: germline.
Comment: The p.S3020P variant (also known as c.9058T>C), located in coding exon 37 of the AKAP9 gene, results from a T to C substitution at nucleotide position 9058. The serine at codon 3020 is replaced by proline, an amino acid with similar properties. This amino acid position is conserved. In addition, this alteration is predicted to be tolerated by in silico analysis. Since supporting evidence is limited at this time, the clinical significance of this alteration remains unclear.